The following is an entry in ClinVar:

NM_000465.4(BARD1):c.1976G>C (p.Arg659Thr)

Gene: BARD1 (BRCA1 associated RING domain 1; minus strand). Cytogenetic location: 2q35.
Variant type: single nucleotide variant.
Coding change: c.1976G>C on transcript NM_000465.4 (MANE Select); coding-DNA position 1976, G replaced by C.
Protein change: p.Arg659Thr; replaces arginine 659 with threonine.
Molecular consequence: missense variant. On other transcripts: non-coding transcript variant (3).
Genome position (GRCh38, 1-based): chr2:214,730,436, C>G on the plus strand (G>C on the coding strand, the complement: BARD1 is on the minus strand). VCF-style: chr2-214730436-C-G. GRCh37 (hg19) VCF-style: chr2-215595160-C-G.
Other names: c.1976G>C (NM_000465.2); c.1919G>C, p.Arg640Thr (NM_001282543.2); c.623G>C, p.Arg208Thr (NM_001282545.2); c.566G>C, p.Arg189Thr (NM_001282548.2); c.437G>C, p.Arg146Thr (NM_001282549.2); short protein forms R208T, R640T, R659T, R146T, R189T.
Identifiers: ClinVar variation 863882 (VCV000863882.11), dbSNP rs1559373888, ClinGen allele CA350451132.

ClinVar aggregate classification (germline): Uncertain significance. Review status: criteria provided, multiple submitters, no conflicts (2 of 4 stars). 2 submissions from 2 submitters: Uncertain significance (2). Last evaluated 2025-05-11.

Conditions:
Hereditary cancer-predisposing syndrome. Also called: Hereditary Cancer Syndrome; Tumor predisposition; Neoplastic Syndromes, Hereditary; Hereditary neoplastic syndrome. Identifiers: Orphanet 140162, MedGen C0027672, MeSH D009386, MONDO:0015356.
Familial cancer of breast. Also called: Hereditary breast cancer; BREAST CANCER, FAMILIAL; hereditary breast carcinoma. Identifiers: Orphanet 227535, MedGen C0346153, MONDO:0016419, OMIM 114480. Disease mechanism: loss of function.

gnomAD v4.1: 1 of 1,613,818 alleles (0.000062%); no homozygotes.

Submissions (2):

Ambry Genetics
Classification: Uncertain significance for Hereditary cancer-predisposing syndrome. Last evaluated: 2025-05-11. Review status: criteria provided, single submitter. Criteria: Ambry Variant Classification Scheme 2023. Collection method: clinical testing. Allele origin: germline.
Comment: The p.R659T variant (also known as c.1976G>C), located in coding exon 10 of the BARD1 gene, results from a G to C substitution at nucleotide position 1976. The arginine at codon 659 is replaced by threonine, an amino acid with similar properties. This amino acid position is conserved. In addition, the in silico prediction for this alteration is inconclusive. Based on the available evidence, the clinical significance of this variant remains unclear.

Labcorp Genetics (formerly Invitae), Labcorp
Classification: Uncertain significance for Familial cancer of breast. Last evaluated: 2019-04-08. Review status: criteria provided, single submitter. Criteria: Invitae Variant Classification Sherloc (09022015). Collection method: clinical testing. Allele origin: germline.
Comment: This sequence change replaces arginine with threonine at codon 659 of the BARD1 protein (p.Arg659Thr). The arginine residue is highly conserved and there is a moderate physicochemical difference between arginine and threonine. This variant is not present in population databases (ExAC no frequency). This variant has not been reported in the literature in individuals with BARD1-related conditions. Algorithms developed to predict the effect of missense changes on protein structure and function (SIFT, PolyPhen-2, Align-GVGD) all suggest that this variant is likely to be disruptive, but these predictions have not been confirmed by published functional studies and their clinical significance is uncertain. In summary, the available evidence is currently insufficient to determine the role of this variant in disease. Therefore, it has been classified as a Variant of Uncertain Significance.